The following is an entry in ClinVar:

ClinVar aggregate classification (germline): Uncertain significance (1 of 4 stars; one submission).

Conditions:
Aortic aneurysm, familial thoracic 4 (AAT4). Also called: AORTIC ANEURYSM/AORTIC DISSECTION AND PATENT DUCTUS ARTERIOSUS. Identifiers: MedGen C1851504, MONDO:0007568, OMIM 132900.

Submission:

Labcorp Genetics (formerly Invitae), Labcorp
Classification: Uncertain significance for Aortic aneurysm, familial thoracic 4. Last evaluated: 2024-11-21. Review status: criteria provided, single submitter. Criteria: Invitae Variant Classification Sherloc (09022015). Collection method: clinical testing. Allele origin: germline.
Comment: This sequence change replaces isoleucine, which is neutral and non-polar, with phenylalanine, which is neutral and non-polar, at codon 174 of the MYH11 protein (p.Ile174Phe). This variant is not present in population databases (gnomAD no frequency). This variant has not been reported in the literature in individuals affected with MYH11-related conditions. Invitae Evidence Modeling of protein sequence and biophysical properties (such as structural, functional, and spatial information, amino acid conservation, physicochemical variation, residue mobility, and thermodynamic stability) has been performed for this missense variant. However, the output from this modeling did not meet the statistical confidence thresholds required to predict the impact of this variant on MYH11 protein function. In summary, the available evidence is currently insufficient to determine the role of this variant in disease. Therefore, it has been classified as a Variant of Uncertain Significance.

NM_002474.3(MYH11):c.520A>T (p.Ile174Phe)

Gene: MYH11 (myosin heavy chain 11; minus strand). Cytogenetic location: 16p13.11.
Variant type: single nucleotide variant.
Coding change: c.520A>T on transcript NM_002474.3 (MANE Select); coding-DNA position 520, A replaced by T.
Protein change: p.Ile174Phe; replaces isoleucine 174 with phenylalanine.
Molecular consequence: missense variant.
Genome position (GRCh38, 1-based): chr16:15,798,670, T>A on the plus strand (A>T on the coding strand, the complement: MYH11 is on the minus strand). VCF-style: chr16-15798670-T-A. GRCh37 (hg19) VCF-style: chr16-15892527-T-A.
Other names: c.520A>T, p.Ile174Phe (NM_001040113.2, NM_001040114.2, NM_022844.3); short protein forms I174F.
Identifiers: ClinVar variation 3719299 (VCV003719299.2).